The following is an entry in ClinVar:

ClinVar aggregate classification (germline): Uncertain significance (1 of 4 stars; one submission).

Conditions:
Cardiovascular phenotype. Identifiers: MedGen CN230736.

Submission:

Ambry Genetics
Classification: Uncertain significance for Cardiovascular phenotype. Last evaluated: 2026-07-06. Review status: criteria provided, single submitter. Criteria: Ambry Variant Classification Scheme 2023. Collection method: clinical testing. Allele origin: germline.
Comment: The p.A1652T variant (also known as c.4954G>A), located in coding exon 30 of the FLNC gene, results from a G to A substitution at nucleotide position 4954. The alanine at codon 1652 is replaced by threonine, an amino acid with similar properties. This amino acid position is conserved. In addition, this alteration is predicted to be tolerated by in silico analysis. Based on the available evidence, the clinical significance of this variant remains unclear.

NM_001458.5(FLNC):c.4954G>A (p.Ala1652Thr)

Gene: FLNC (filamin C; plus strand). Cytogenetic location: 7q32.1.
Variant type: single nucleotide variant.
Coding change: c.4954G>A on transcript NM_001458.5 (MANE Select); coding-DNA position 4954, G replaced by A.
Protein change: p.Ala1652Thr; replaces alanine 1652 with threonine.
Molecular consequence: missense variant.
Genome position (GRCh38, 1-based): chr7:128,849,333, G>A. VCF-style: chr7-128849333-G-A. GRCh37 (hg19) VCF-style: chr7-128489387-G-A.
Other names: c.4954G>A, p.Ala1652Thr (NM_001127487.2); short protein forms A1652T.
Identifiers: ClinVar variation 5021941 (VCV005021941.1).